The following is an entry in ClinVar:

ClinVar aggregate classification (germline): Conflicting classifications of pathogenicity. Review status: criteria provided, conflicting classifications (1 of 4 stars). 4 submissions from 4 submitters: Uncertain significance (2); Likely benign (2). Last evaluated 2024-11-14.

Conditions:
Inborn genetic diseases. Identifiers: MedGen C0950123, MeSH D030342.
Holoprosencephaly 9 (HPE9). Also called: HOLOPROSENCEPHALY WITH MICROPHTHALMIA AND FIRST BRANCHIAL ARCH ANOMALIES; PITUITARY ANOMALIES WITH HOLOPROSENCEPHALY-LIKE FEATURES. Identifiers: Orphanet 2162, MedGen C1835819, MONDO:0012563, OMIM 610829.
Postaxial polydactyly-anterior pituitary anomalies-facial dysmorphism syndrome. Also called: Culler-Jones syndrome. Identifiers: Orphanet 420584, MedGen C4014479, MONDO:0014369, OMIM 615849.

Allele frequency attached by ClinVar (database versions not stated): TOPMed 0.00002; gnomAD exomes 0.00004; ExAC 0.00005; gnomAD 0.00005.
gnomAD v4.1: 68 of 1,613,368 alleles (0.0042%); highest among the groups gnomAD compares: East Asian, 0.0089%; no homozygotes.

Submissions (4):

Ambry Genetics
Classification: Likely benign for Inborn genetic diseases. Last evaluated: 2024-11-14. Review status: criteria provided, single submitter. Criteria: Ambry Variant Classification Scheme 2023. Collection method: clinical testing. Allele origin: germline.

Labcorp Genetics (formerly Invitae), Labcorp
Classification: Uncertain significance for Postaxial polydactyly-anterior pituitary anomalies-facial dysmorphism syndrome; Holoprosencephaly 9. Last evaluated: 2024-06-28. Review status: criteria provided, single submitter. Criteria: Invitae Variant Classification Sherloc (09022015). Collection method: clinical testing. Allele origin: germline.
Comment: This sequence change replaces proline, which is neutral and non-polar, with leucine, which is neutral and non-polar, at codon 1431 of the GLI2 protein (p.Pro1431Leu). This variant is present in population databases (rs749402521, gnomAD 0.01%). This variant has not been reported in the literature in individuals affected with GLI2-related conditions. ClinVar contains an entry for this variant (Variation ID: 499120). Advanced modeling of protein sequence and biophysical properties (such as structural, functional, and spatial information, amino acid conservation, physicochemical variation, residue mobility, and thermodynamic stability) performed at Invitae indicates that this missense variant is not expected to disrupt GLI2 protein function with a negative predictive value of 80%. In summary, the available evidence is currently insufficient to determine the role of this variant in disease. Therefore, it has been classified as a Variant of Uncertain Significance.

CeGaT Center for Human Genetics Tuebingen
Classification: Likely benign. Last evaluated: 2022-11-01. Review status: criteria provided, single submitter. Criteria: CeGaT Center For Human Genetics Tuebingen Variant Classification Criteria Version 2. Collection method: clinical testing. Allele origin: germline. Affected: yes. Observed: 1 variant allele.
Comment: GLI2: BP4, BS2

Eurofins Ntd Llc (ga)
Classification: Uncertain significance. Last evaluated: 2016-12-29. Review status: criteria provided, single submitter. Criteria: EGL Classification Definitions 2015. Collection method: clinical testing. Allele origin: germline. Observed: 1 variant allele, 1 heterozygote.

NM_001374353.1(GLI2):c.4241C>T (p.Pro1414Leu)

Gene: GLI2 (GLI family zinc finger 2; plus strand). Cytogenetic location: 2q14.2.
Variant type: single nucleotide variant.
Coding change: c.4241C>T on transcript NM_001374353.1 (MANE Select); coding-DNA position 4241, C replaced by T.
Protein change: p.Pro1414Leu; replaces proline 1414 with leucine.
Molecular consequence: missense variant.
Genome position (GRCh38, 1-based): chr2:120,990,206, C>T. VCF-style: chr2-120990206-C-T. GRCh37 (hg19) VCF-style: chr2-121747782-C-T.
Other names: c.4292C>T (NM_005270.4); c.4292C>T, p.Pro1431Leu (NM_001371271.1, NM_005270.5); c.3866C>T, p.Pro1289Leu (NM_001374354.1); short protein forms P1431L, P1289L, P1414L.
Identifiers: ClinVar variation 499120 (VCV000499120.32), dbSNP rs749402521, ClinGen allele CA1852585.